The following is an entry in ClinVar:

ClinVar aggregate classification (germline): Likely pathogenic (1 of 4 stars; one submission).

Conditions:
Autosomal recessive polycystic kidney disease (ARPKD). Also called: AR polycystic kidney disease. Identifiers: Orphanet 731, Orphanet 8378, MedGen C0085548, MeSH D017044, MONDO:0009889.

Submission:

Natera, Inc.
Classification: Likely pathogenic for Autosomal recessive polycystic kidney disease. Last evaluated: 2024-08-12. Review status: criteria provided, single submitter. Criteria: Natera Variant Classification Schema (03/2026). Collection method: clinical testing. Allele origin: germline.
Comment: The c.2113del variant in PKHD1 is a frameshift variant predicted to shift the reading frame beginning at codon 705 and leads to a stop codon 8 codons downstream. This variant is expected to result in nonsense mediated decay, truncation, or a dysfunctional protein product. This variant is rare in the general population with a frequency below the threshold expected for the associated phenotype(s). Given the available evidence, this variant is classified as Likely Pathogenic.

NM_138694.4(PKHD1):c.2113del (p.Ile705fs)

Gene: PKHD1 (PKHD1 ciliary IPT domain containing fibrocystin/polyductin; minus strand). Cytogenetic location: 6p12.2.
Variant type: Deletion.
Coding change: c.2113del on transcript NM_138694.4 (MANE Select); coding-DNA position 2113, one base deleted (A; older notation c.2113delA).
Protein change: p.Ile705fs; shifts the reading frame from isoleucine 705.
Molecular consequence: frameshift variant.
Genome position (GRCh38, 1-based): chr6:52,053,103, T deleted on the plus strand (A on the coding strand, the reverse complement: PKHD1 is on the minus strand); the first of 3 consecutive T bases (chr6:52,053,103-52,053,105); deleting any one gives the same sequence. VCF-style (leftmost placement, unchanged base first): chr6-52053102-AT-A. GRCh37 (hg19) VCF-style: chr6-51917900-AT-A.
Other names: c.2113del, p.Ile705fs (NM_170724.3); short protein forms I705fs.
Identifiers: ClinVar variation 4816598 (VCV004816598.1).